The following is an entry in ClinVar:

NM_198253.3(TERT):c.2216A>G (p.Tyr739Cys)

Gene: TERT (telomerase reverse transcriptase; minus strand). Cytogenetic location: 5p15.33.
Variant type: single nucleotide variant.
Coding change: c.2216A>G on transcript NM_198253.3 (MANE Select); coding-DNA position 2216, A replaced by G.
Protein change: p.Tyr739Cys; replaces tyrosine 739 with cysteine.
Molecular consequence: missense variant. On other transcripts: non-coding transcript variant (2).
Genome position (GRCh38, 1-based): chr5:1,278,711, T>C on the plus strand (A>G on the coding strand, the complement: TERT is on the minus strand). VCF-style: chr5-1278711-T-C. GRCh37 (hg19) VCF-style: chr5-1278826-T-C.
Other names: c.2216A>G, p.Tyr739Cys (NM_001193376.3, NM_003219.1); short protein forms Y739C.
Identifiers: ClinVar variation 2943306 (VCV002943306.3), dbSNP rs1749788622, ClinGen allele CA359079266.

ClinVar aggregate classification (germline): Uncertain significance (1 of 4 stars; one submission).

Conditions:
Idiopathic Pulmonary Fibrosis. Also called: Idiopathic fibrosing alveolitis, chronic form; idiopathic fibrosing alveolitis. Identifiers: Orphanet 2032, MedGen C1800706, MeSH D054990, MONDO:0800504.
Dyskeratosis congenita, autosomal dominant 2. Identifiers: MedGen C3151443, MONDO:0013521, OMIM 613989.

Submission:

Labcorp Genetics (formerly Invitae), Labcorp
Classification: Uncertain significance for Dyskeratosis congenita, autosomal dominant 2; Idiopathic Pulmonary Fibrosis. Last evaluated: 2023-01-16. Review status: criteria provided, single submitter. Criteria: Invitae Variant Classification Sherloc (09022015). Collection method: clinical testing. Allele origin: germline.
Comment: In summary, the available evidence is currently insufficient to determine the role of this variant in disease. Therefore, it has been classified as a Variant of Uncertain Significance. Advanced modeling of protein sequence and biophysical properties (such as structural, functional, and spatial information, amino acid conservation, physicochemical variation, residue mobility, and thermodynamic stability) performed at Invitae indicates that this missense variant is expected to disrupt TERT protein function. This variant has not been reported in the literature in individuals affected with TERT-related conditions. This variant is not present in population databases (gnomAD no frequency). This sequence change replaces tyrosine, which is neutral and polar, with cysteine, which is neutral and slightly polar, at codon 739 of the TERT protein (p.Tyr739Cys).